The following is an entry in ClinVar:

ClinVar aggregate classification (germline): Uncertain significance. Review status: criteria provided, multiple submitters, no conflicts (2 of 4 stars). 2 submissions from 2 submitters: Uncertain significance (2). Last evaluated 2025-04-02.

Conditions:
Haddad syndrome (OHD). Also called: Ondine-Hirschsprung disease. Identifiers: Orphanet 99803, MedGen C1859049, MONDO:0020493.
Hereditary cancer-predisposing syndrome. Also called: Tumor predisposition; Hereditary neoplastic syndrome; Neoplastic Syndromes, Hereditary; Hereditary Cancer Syndrome. Identifiers: Orphanet 140162, MedGen C0027672, MeSH D009386, MONDO:0015356.

Submissions (2):

Ambry Genetics
Classification: Uncertain significance for Hereditary cancer-predisposing syndrome. Last evaluated: 2025-04-02. Review status: criteria provided, single submitter. Criteria: Ambry Variant Classification Scheme 2023. Collection method: clinical testing. Allele origin: germline.
Comment: The p.G270E variant (also known as c.809G>A), located in coding exon 3 of the PHOX2B gene, results from a G to A substitution at nucleotide position 809. The glycine at codon 270 is replaced by glutamic acid, an amino acid with similar properties. This amino acid position is highly conserved in available vertebrate species. In addition, the in silico prediction for this alteration is inconclusive. Based on the available evidence, the clinical significance of this variant remains unclear.

Labcorp Genetics (formerly Invitae), Labcorp
Classification: Uncertain significance for Haddad syndrome. Last evaluated: 2019-08-18. Review status: criteria provided, single submitter. Criteria: Invitae Variant Classification Sherloc (09022015). Collection method: clinical testing. Allele origin: germline.
Comment: This sequence change replaces glycine with glutamic acid at codon 270 of the PHOX2B protein (p.Gly270Glu). The glycine residue is moderately conserved and there is a moderate physicochemical difference between glycine and glutamic acid. In summary, the available evidence is currently insufficient to determine the role of this variant in disease. Therefore, it has been classified as a Variant of Uncertain Significance. Algorithms developed to predict the effect of missense changes on protein structure and function are either unavailable or do not agree on the potential impact of this missense change (SIFT: "Tolerated"; PolyPhen-2: "Not available"; Align-GVGD: "Class C0"). This variant has not been reported in the literature in individuals with PHOX2B-related conditions. This variant is not present in population databases (ExAC no frequency).

NM_003924.4(PHOX2B):c.809G>A (p.Gly270Glu)

Gene: PHOX2B (paired like homeobox 2B; minus strand). Cytogenetic location: 4p13.
Variant type: single nucleotide variant.
Coding change: c.809G>A on transcript NM_003924.4 (MANE Select); coding-DNA position 809, G replaced by A.
Protein change: p.Gly270Glu; replaces glycine 270 with glutamic acid.
Molecular consequence: missense variant.
Genome position (GRCh38, 1-based): chr4:41,745,943, C>T on the plus strand (G>A on the coding strand, the complement: PHOX2B is on the minus strand). VCF-style: chr4-41745943-C-T. GRCh37 (hg19) VCF-style: chr4-41747960-C-T.
Other names: short protein forms G270E.
Identifiers: ClinVar variation 952233 (VCV000952233.13), dbSNP rs1577558821, ClinGen allele CA356737100.